The following is an entry in ClinVar:

ClinVar aggregate classification (germline): Uncertain significance. Review status: criteria provided, multiple submitters, no conflicts (2 of 4 stars). 2 submissions from 2 submitters: Uncertain significance (2). Last evaluated 2026-04-29.

Conditions:
Hereditary cancer-predisposing syndrome. Also called: Hereditary Cancer Syndrome; Hereditary neoplastic syndrome; Neoplastic Syndromes, Hereditary; Tumor predisposition. Identifiers: Orphanet 140162, MedGen C0027672, MeSH D009386, MONDO:0015356.
Retinoblastoma (RB1). Also called: RETINOBLASTOMA, SOMATIC. Identifiers: Orphanet 790, MedGen C0035335, MeSH D012175, MONDO:0008380, OMIM 180200, HP:0009919. Disease mechanism: loss of function. Inheritance: Both sporadic and heritable forms are tested..

Submissions (2):

Ambry Genetics
Classification: Uncertain significance for Hereditary cancer-predisposing syndrome. Last evaluated: 2026-04-29. Review status: criteria provided, single submitter. Criteria: Ambry Variant Classification Scheme 2023. Collection method: clinical testing. Allele origin: germline.
Comment: The c.861+5T>C intronic variant results from a T to C substitution 5 nucleotides after coding exon 8 in the RB1 gene. This nucleotide position is highly conserved in available vertebrate species. In silico splice site analysis predicts that this alteration will not have any significant effect on splicing. Based on the available evidence, the clinical significance of this variant remains unclear.

Labcorp Genetics (formerly Invitae), Labcorp
Classification: Uncertain significance for Retinoblastoma. Last evaluated: 2024-11-24. Review status: criteria provided, single submitter. Criteria: Invitae Variant Classification Sherloc (09022015). Collection method: clinical testing. Allele origin: germline.
Comment: This sequence change falls in intron 8 of the RB1 gene. It does not directly change the encoded amino acid sequence of the RB1 protein. It affects a nucleotide within the consensus splice site. This variant is not present in population databases (gnomAD no frequency). This variant has not been reported in the literature in individuals affected with RB1-related conditions. Variants that disrupt the consensus splice site are a relatively common cause of aberrant splicing (PMID: 17576681, 9536098). Algorithms developed to predict the effect of sequence changes on RNA splicing suggest that this variant is not likely to affect RNA splicing. In summary, the available evidence is currently insufficient to determine the role of this variant in disease. Therefore, it has been classified as a Variant of Uncertain Significance.

Literature cited by the submitters: PubMed 17576681 (cited by Labcorp Genetics (formerly Invitae), Labcorp); PubMed 9536098 (cited by Labcorp Genetics (formerly Invitae), Labcorp).

NM_000321.3(RB1):c.861+5T>C

Gene: RB1 (RB transcriptional corepressor 1; plus strand). Cytogenetic location: 13q14.2.
Variant type: single nucleotide variant.
Coding change: c.861+5T>C on transcript NM_000321.3 (MANE Select); 5 bases into the intron after coding-DNA position 861, T replaced by C.
Molecular consequence: intron variant.
Genome position (GRCh38, 1-based): chr13:48,362,962, T>C. VCF-style: chr13-48362962-T-C. GRCh37 (hg19) VCF-style: chr13-48937098-T-C.
Other names: c.861+5T>C (NM_000321.2, NM_001407165.1, NM_001407166.1).
Identifiers: ClinVar variation 3725959 (VCV003725959.3).